The following is an entry in ClinVar:

ClinVar aggregate classification (germline): Likely benign (1 of 4 stars; one submission).

gnomAD v4.1: 733 of 1,577,458 alleles (0.046%); highest among the groups gnomAD compares: Non-Finnish European, 0.059%; no homozygotes.

Submission:

CeGaT Center for Human Genetics Tuebingen
Classification: Likely benign. Last evaluated: 2025-02-01. Review status: criteria provided, single submitter. Criteria: CeGaT Center For Human Genetics Tuebingen Variant Classification Criteria Version 2. Collection method: clinical testing. Allele origin: germline. Affected: yes. Observed: 1 variant allele.
Comment: ITPR3: BS2

NM_002224.4(ITPR3):c.4772T>C (p.Ile1591Thr)

Gene: ITPR3 (inositol 1,4,5-trisphosphate receptor type 3; plus strand). Cytogenetic location: 6p21.31.
Variant type: single nucleotide variant.
Coding change: c.4772T>C on transcript NM_002224.4 (MANE Select); coding-DNA position 4772, T replaced by C.
Protein change: p.Ile1591Thr; replaces isoleucine 1591 with threonine.
Molecular consequence: missense variant.
Genome position (GRCh38, 1-based): chr6:33,683,381, T>C. VCF-style: chr6-33683381-T-C. GRCh37 (hg19) VCF-style: chr6-33651158-T-C.
Other names: short protein forms I1591T.
Identifiers: ClinVar variation 3771396 (VCV003771396.13).
Genomic context (GRCh38, chr6:33,683,381, plus strand): 5'-CAACCACGCGGGCCTTCCCCCGCGTCACCCCCACCGCCAACCAGTGGGACTACAAGAACA[T>C]CATTGAGAAGCTGCAGGTGGGTGTGGGGCTGCCTGGCATCTGCCTCGGGAGCTGCTTGGT-3'
Protein context (NP_002215.2, residues 1581-1601): PTANQWDYKN[Ile1591Thr]IEKLQDIITA